The following is an entry in ClinVar:

ClinVar aggregate classification (germline): Likely benign. Review status: criteria provided, single submitter (1 of 4 stars). 2 submissions from 2 submitters: Likely benign (1). 1 of the submissions does not count toward it. Last evaluated 2023-08-11.

Conditions:
RNASEH1-related disorder. Also called: RNASEH1-related condition.

Allele frequency attached by ClinVar (database versions not stated): ExAC 0.00002; gnomAD exomes 0.00002; TOPMed 0.00002; gnomAD 0.00003.
gnomAD v4.1: 29 of 1,613,038 alleles (0.0018%); highest among the groups gnomAD compares: Middle Eastern, 0.049%; no homozygotes.

Submissions (2):

Labcorp Genetics (formerly Invitae), Labcorp
Classification: Likely benign. Last evaluated: 2023-08-11. Review status: criteria provided, single submitter. Criteria: Invitae Variant Classification Sherloc (09022015). Collection method: clinical testing. Allele origin: germline.

PreventionGenetics, part of Exact Sciences
Classification: Likely benign for RNASEH1-related condition. Last evaluated: 2019-10-31. Review status: no assertion criteria provided. Collection method: clinical testing. Allele origin: germline. Not counted in ClinVar's aggregate classification.
Comment: This variant is classified as likely benign based on ACMG/AMP sequence variant interpretation guidelines (Richards et al. 2015 PMID: 25741868, with internal and published modifications).

NM_002936.6(RNASEH1):c.555G>A (p.Ala185=)

Gene: RNASEH1 (ribonuclease H1; minus strand). Cytogenetic location: 2p25.3.
Variant type: single nucleotide variant.
Coding change: c.555G>A on transcript NM_002936.6 (MANE Select); coding-DNA position 555, G replaced by A.
Protein change: p.Ala185=; no amino-acid change (alanine 185 retained).
Molecular consequence: synonymous variant. On other transcripts: non-coding transcript variant (7).
Genome position (GRCh38, 1-based): chr2:3,549,067, C>T on the plus strand (G>A on the coding strand, the complement: RNASEH1 is on the minus strand). VCF-style: chr2-3549067-C-T. GRCh37 (hg19) VCF-style: chr2-3596657-C-T.
Other names: c.477G>A, p.Ala159= (NM_001286834.3); c.204G>A, p.Ala68= (NM_001286837.3); c.555G>A, p.Ala185= (NM_001378271.1); c.552G>A, p.Ala184= (NM_001378272.1); c.540G>A, p.Ala180= (NM_001378273.1); c.555G>A (NM_002936.4).
Identifiers: ClinVar variation 2421338 (VCV002421338.10), dbSNP rs770205192, ClinGen allele CA1516216.